The following is an entry in ClinVar:

ClinVar aggregate classification (germline): Likely pathogenic. Review status: criteria provided, multiple submitters, no conflicts (2 of 4 stars). 2 submissions from 2 submitters: Likely pathogenic (2). Last evaluated 2023-02-15.

Conditions:
DSP-related disorder. Also called: DSP-related disorders; DSP-related condition.

Allele frequency attached by ClinVar (database versions not stated): gnomAD exomes below 0.00001.
gnomAD v4.1: 3 of 1,614,104 alleles (0.00019%); highest among the groups gnomAD compares: South Asian, 0.0011%; no homozygotes.

Submissions (2):

Blueprint Genetics
Classification: Likely pathogenic for DSP-related disorders. Last evaluated: 2023-02-15. Review status: criteria provided, single submitter. Criteria: ACMG Guidelines, 2015. Collection method: clinical testing. Allele origin: germline. Affected: yes. Observed: 2 variant alleles.

GeneDx
Classification: Likely pathogenic. Last evaluated: 2022-05-18. Review status: criteria provided, single submitter. Criteria: GeneDx Variant Classification Process June 2021. Collection method: clinical testing. Allele origin: germline. Affected: yes.
Comment: Nonsense variant predicted to result in protein truncation or nonsense mediated decay in a gene for which loss of function is a known mechanism of disease; Not observed at significant frequency in large population cohorts (gnomAD); Observed in an individual with DCM (Walsh et al., 2017); This variant is associated with the following publications: (PMID: 27532257)

NM_004415.4(DSP):c.4711C>T (p.Gln1571Ter)

Gene: DSP (desmoplakin; plus strand). Cytogenetic location: 6p24.3.
Variant type: single nucleotide variant.
Coding change: c.4711C>T on transcript NM_004415.4 (MANE Select); coding-DNA position 4711, C replaced by T.
Protein change: p.Gln1571Ter; replaces glutamine 1571 with a stop codon.
Molecular consequence: nonsense. On other transcripts: intron variant (2).
Genome position (GRCh38, 1-based): chr6:7,580,901, C>T. VCF-style: chr6-7580901-C-T. GRCh37 (hg19) VCF-style: chr6-7581134-C-T.
Other names: c.4050+661C>T (NM_001319034.2); c.3582+1129C>T (NM_001008844.3); short protein forms Q1571*.
Identifiers: ClinVar variation 1800665 (VCV001800665.2), dbSNP rs2533929954, ClinGen allele CA362686993.